The following is an entry in ClinVar:

ClinVar aggregate classification (germline): Uncertain significance (1 of 4 stars; one submission).

Allele frequency attached by ClinVar (database versions not stated): gnomAD 0.00003; TOPMed 0.00003; ExAC 0.00027.
gnomAD v4.1: 45 of 1,294,280 alleles (0.0035%); highest among the groups gnomAD compares: Non-Finnish European, 0.0043%; no homozygotes.

Submission:

Women's Health and Genetics/Laboratory Corporation of America, LabCorp
Classification: Uncertain significance. Last evaluated: 2022-09-30. Review status: criteria provided, single submitter. Criteria: LabCorp Variant Classification Summary - May 2015. Collection method: clinical testing. Allele origin: germline.
Comment: Variant summary: C1orf69 (IBA57) c.-10C>G is located in the untranscribed region upstream of the C1orf69 gene region. Several computational tools predict a significant impact on normal splicing: One predict the variant abolishes a 3' acceptor site. Two predict the variant weakens a 3' acceptor site. However, these predictions have yet to be confirmed by functional studies. The variant allele was found at a frequency of 2e-05 in 48802 control chromosomes. The available data on variant occurrences in the general population are insufficient to allow any conclusion about variant significance. To our knowledge, no occurrence of c.-10C>G in individuals affected with C1orf69-Related Disorders and no experimental evidence demonstrating its impact on protein function have been reported. No clinical diagnostic laboratories have submitted clinical-significance assessments for this variant to ClinVar after 2014. Based on the evidence outlined above, the variant was classified as uncertain significance.

NM_001010867.4(IBA57):c.-10C>G

Gene: IBA57 (iron-sulfur cluster assembly factor IBA57; plus strand). Cytogenetic location: 1q42.13.
Variant type: single nucleotide variant.
Coding change: c.-10C>G on transcript NM_001010867.4 (MANE Select); 10 bases upstream of the start codon, C replaced by G.
Molecular consequence: 5 prime UTR variant.
Genome position (GRCh38, 1-based): chr1:228,165,807, C>G. VCF-style: chr1-228165807-C-G. GRCh37 (hg19) VCF-style: chr1-228353508-C-G.
Identifiers: ClinVar variation 1722361 (VCV001722361.1), dbSNP rs766551822, ClinGen allele CA1431048.